The following is an entry in ClinVar:

NM_183357.3(ADCY5):c.3777G>A (p.Pro1259=)

Gene: ADCY5 (adenylate cyclase 5; minus strand). Cytogenetic location: 3q21.1.
Variant type: single nucleotide variant.
Coding change: c.3777G>A on transcript NM_183357.3 (MANE Select); coding-DNA position 3777, G replaced by A.
Protein change: p.Pro1259=; no amino-acid change (proline 1259 retained).
Molecular consequence: synonymous variant.
Genome position (GRCh38, 1-based): chr3:123,284,617, C>T on the plus strand (G>A on the coding strand, the complement: ADCY5 is on the minus strand). VCF-style: chr3-123284617-C-T. GRCh37 (hg19) VCF-style: chr3-123003464-C-T.
Other names: c.2727G>A, p.Pro909= (NM_001199642.1); c.3852G>A, p.Pro1284= (NM_001378259.1).
Identifiers: ClinVar variation 784018 (VCV000784018.22), dbSNP rs112321119, ClinGen allele CA2576683.

ClinVar aggregate classification (germline): Benign/Likely benign. Review status: criteria provided, multiple submitters, no conflicts (2 of 4 stars). 7 submissions from 5 submitters: Benign (4); Likely benign (3). Last evaluated 2026-07-01.

Conditions:
Dyskinesia with orofacial involvement, autosomal dominant (DSKOD). Also called: Familial dyskinesia and facial myokymia; Familial Dyskinesia with Facial Myokymia (FDFM); Dyskinesia, familial, with facial myokymia. Identifiers: Orphanet 324588, MedGen C1847627, MONDO:0800028, OMIM 606703.
Neurodevelopmental disorder with hyperkinetic movements and dyskinesia. Identifiers: MedGen C5562038, MONDO:0859211, OMIM 619651.
Dyskinesia with orofacial involvement, autosomal recessive. Identifiers: MedGen C5562036, MONDO:0030625, OMIM 619647.

Allele frequency attached by ClinVar (database versions not stated): gnomAD exomes 0.00025 and 0.00073; ExAC 0.00088; gnomAD 0.00257 and 0.00269; TOPMed 0.00290; 1000 Genomes Project 30x 0.00297; ESP Exome Variant Server 0.00315; 1000 Genomes Project 0.00319.
gnomAD v4.1: 763 of 1,614,208 alleles (0.047%); highest among the groups gnomAD compares: African/African-American, 0.9%; 2 homozygotes.

Submissions (7):

CeGaT Center for Human Genetics Tuebingen
Classification: Likely benign. Last evaluated: 2026-07-01. Review status: criteria provided, single submitter. Criteria: CeGaT Center For Human Genetics Tuebingen Variant Classification Criteria Version 2. Collection method: clinical testing. Allele origin: germline. Affected: yes. Observed: 3 variant alleles.
Comment: ADCY5: BP4, BP7

Labcorp Genetics (formerly Invitae), Labcorp
Classification: Benign. Last evaluated: 2025-11-27. Review status: criteria provided, single submitter. Criteria: Invitae Variant Classification Sherloc (09022015). Collection method: clinical testing. Allele origin: germline.

Blueprint Genetics
Classification: Likely benign. Last evaluated: 2024-08-06. Review status: criteria provided, single submitter. Criteria: ACMG Guidelines, 2015. Collection method: clinical testing. Allele origin: germline.

Genome-Nilou Lab
Classification: Benign for Dyskinesia with orofacial involvement, autosomal dominant. Last evaluated: 2021-12-05. Review status: criteria provided, single submitter. Criteria: ACMG Guidelines, 2015. Collection method: clinical testing. Allele origin: germline. Affected: no.

Genome-Nilou Lab
Classification: Benign for Dyskinesia with orofacial involvement, autosomal recessive. Last evaluated: 2021-12-05. Review status: criteria provided, single submitter. Criteria: ACMG Guidelines, 2015. Collection method: clinical testing. Allele origin: germline. Affected: no.

Genome-Nilou Lab
Classification: Benign for Neurodevelopmental disorder with hyperkinetic movements and dyskinesia. Last evaluated: 2021-12-05. Review status: criteria provided, single submitter. Criteria: ACMG Guidelines, 2015. Collection method: clinical testing. Allele origin: germline. Affected: no.

GeneDx
Classification: Likely benign. Last evaluated: 2020-01-29. Review status: criteria provided, single submitter. Criteria: GeneDx Variant Classification Process June 2021. Collection method: clinical testing. Allele origin: germline. Affected: yes.